The following is an entry in ClinVar:

NM_001829.4(CLCN3):c.*55G>A

Gene: CLCN3 (chloride voltage-gated channel 3; plus strand). Cytogenetic location: 4q33.
Variant type: single nucleotide variant.
Coding change: c.*55G>A on transcript NM_001829.4 (MANE Select); 55 bases downstream of the stop codon, G replaced by A.
Molecular consequence: 3 prime UTR variant. On other transcripts: missense variant (1).
Genome position (GRCh38, 1-based): chr4:169,720,052, G>A. VCF-style: chr4-169720052-G-A. GRCh37 (hg19) VCF-style: chr4-170641203-G-A.
Other names: c.*55G>A (NM_001243372.2, NM_001243374.2); c.2588G>A, p.Ser863Asn (NM_173872.4); short protein forms S863N.
Identifiers: ClinVar variation 3061061 (VCV003061061.2), dbSNP rs2477202433, ClinGen allele CA358748082.

ClinVar aggregate classification (germline): Uncertain significance (0 of 4 stars; one submission).

Conditions:
CLCN3-related disorder. Also called: CLCN3-related condition.

Submission:

PreventionGenetics, part of Exact Sciences
Classification: Uncertain significance for CLCN3-related condition. Last evaluated: 2024-03-01. Review status: no assertion criteria provided. Collection method: clinical testing. Allele origin: germline.
Comment: The CLCN3 c.2588G>A variant is predicted to result in the amino acid substitution p.Ser863Asn. To our knowledge, this variant has not been reported in the literature or in a large population database, indicating this variant is rare. At this time, the clinical significance of this variant is uncertain due to the absence of conclusive functional and genetic evidence.